The following is an entry in ClinVar:

NM_080425.4(GNAS):c.1538C>T (p.Ala513Val)

Gene: GNAS (GNAS complex locus; plus strand). Cytogenetic location: 20q13.32.
Variant type: single nucleotide variant.
Coding change: c.1538C>T on transcript NM_080425.4 (MANE Plus Clinical); coding-DNA position 1538, C replaced by T.
Protein change: p.Ala513Val; replaces alanine 513 with valine.
Molecular consequence: missense variant. On other transcripts: intron variant (3).
Genome position (GRCh38, 1-based): chr20:58,854,803, C>T. VCF-style: chr20-58854803-C-T. GRCh37 (hg19) VCF-style: chr20-57429858-C-T.
Other names: c.1351C>T, p.Arg451Trp (NM_001309883.1, NM_001077490.3); c.1538C>T, p.Ala513Val (NM_001410913.1); c.*42+13917C>T (NM_016592.5); c.43+13917C>T (NM_001410912.1); c.-39+12928C>T (NM_001309861.2); short protein forms R451W, A513V.
Identifiers: ClinVar variation 134482 (VCV000134482.12), dbSNP rs587778384, ClinGen allele CA159940.

ClinVar aggregate classification (germline): Likely benign. Review status: criteria provided, multiple submitters, no conflicts (2 of 4 stars). 3 submissions from 3 submitters: Likely benign (2). 1 of the submissions does not count toward it. Last evaluated 2026-02-01.

Conditions:
GNAS-related disorder. Identifiers: MedGen CN380105.

Allele frequency attached by ClinVar (database versions not stated): gnomAD 0.00003; gnomAD exomes 0.00006; TOPMed 0.00002; ExAC 0.00012.
gnomAD v4.1: 40 of 1,583,538 alleles (0.0025%); highest among the groups gnomAD compares: Middle Eastern, 0.05%; 1 homozygote.

Submissions (3):

CeGaT Center for Human Genetics Tuebingen
Classification: Likely benign. Last evaluated: 2026-02-01. Review status: criteria provided, single submitter. Criteria: CeGaT Center For Human Genetics Tuebingen Variant Classification Criteria Version 2. Collection method: clinical testing. Allele origin: germline. Affected: yes. Observed: 2 variant alleles.
Comment: GNAS: BS2

PreventionGenetics, part of Exact Sciences
Classification: Likely benign for GNAS-related condition. Last evaluated: 2025-04-16. Review status: criteria provided, single submitter. Criteria: ACMG Guidelines, 2015. Collection method: clinical testing. Allele origin: germline.
Comment: This variant is classified as likely benign based on ACMG/AMP sequence variant interpretation guidelines (Richards et al. 2015 PMID: 25741868, with internal and published modifications).

ITMI
No classification provided. Condition: AllHighlyPenetrant. Last evaluated: 2013-09-19. Review status: no classification provided. Collection method: reference population. Allele origin: germline. Not counted in ClinVar's aggregate classification.
Comment: Please see associated publication for description of ethnicities

Literature cited by the submitters: PubMed 24728327 (cited by ITMI).